The following is an entry in ClinVar:

NM_174916.3(UBR1):c.1917C>G (p.Asp639Glu)

Gene: UBR1 (ubiquitin protein ligase E3 component n-recognin 1; minus strand). Cytogenetic location: 15q15.2.
Variant type: single nucleotide variant.
Coding change: c.1917C>G on transcript NM_174916.3 (MANE Select); coding-DNA position 1917, C replaced by G.
Protein change: p.Asp639Glu; replaces aspartic acid 639 with glutamic acid.
Molecular consequence: missense variant.
Genome position (GRCh38, 1-based): chr15:43,037,878, G>C on the plus strand (C>G on the coding strand, the complement: UBR1 is on the minus strand). VCF-style: chr15-43037878-G-C. GRCh37 (hg19) VCF-style: chr15-43330076-G-C.
Other names: short protein forms D639E.
Identifiers: ClinVar variation 2965361 (VCV002965361.3), dbSNP rs2542987167, ClinGen allele CA392061600.

ClinVar aggregate classification (germline): Uncertain significance (1 of 4 stars; one submission).

Allele frequency attached by ClinVar (database versions not stated): gnomAD exomes below 0.00001.
gnomAD v4.1: 2 of 1,613,284 alleles (0.00012%); highest among the groups gnomAD compares: Non-Finnish European, 0.00017%; no homozygotes.

Submission:

Labcorp Genetics (formerly Invitae), Labcorp
Classification: Uncertain significance. Last evaluated: 2023-05-23. Review status: criteria provided, single submitter. Criteria: Invitae Variant Classification Sherloc (09022015). Collection method: clinical testing. Allele origin: germline.
Comment: In summary, the available evidence is currently insufficient to determine the role of this variant in disease. Therefore, it has been classified as a Variant of Uncertain Significance. Advanced modeling of protein sequence and biophysical properties (such as structural, functional, and spatial information, amino acid conservation, physicochemical variation, residue mobility, and thermodynamic stability) performed at Invitae indicates that this missense variant is not expected to disrupt UBR1 protein function. This variant has not been reported in the literature in individuals affected with UBR1-related conditions. This variant is not present in population databases (gnomAD no frequency). This sequence change replaces aspartic acid, which is acidic and polar, with glutamic acid, which is acidic and polar, at codon 639 of the UBR1 protein (p.Asp639Glu).